The following is an entry in ClinVar:

ClinVar aggregate classification (germline): Uncertain significance (1 of 4 stars; one submission).

Conditions:
Duchenne muscular dystrophy (DMD). Also called: MUSCULAR DYSTROPHY, PSEUDOHYPERTROPHIC PROGRESSIVE, DUCHENNE TYPE; Duchenne Muscular Dystrophy (DMD). Identifiers: Orphanet 98896, MedGen C0013264, MONDO:0010679, OMIM 310200.

Submission:

Labcorp Genetics (formerly Invitae), Labcorp
Classification: Uncertain significance for Duchenne muscular dystrophy. Last evaluated: 2023-10-03. Review status: criteria provided, single submitter. Criteria: Invitae Variant Classification Sherloc (09022015). Collection method: clinical testing. Allele origin: unknown.
Comment: This variant results in a copy number gain of the genomic region encompassing exon(s) 23-42 of the DMD gene. While the exact position of this variant cannot be determined from the data, sub-genic copy number gains are generally in tandem (PMID: 25640679). This variant is predicted to be in-frame, and likely preserves the integrity of the reading frame. This variant has not been reported in the literature in individuals affected with DMD-related conditions. Experimental studies and prediction algorithms are not available or were not evaluated, and the functional significance of this variant is currently unknown. In summary, the available evidence is currently insufficient to determine the role of this variant in disease. Therefore, it has been classified as a Variant of Uncertain Significance.

Literature cited by the submitters: PubMed 25640679.

NC_000023.10:g.(?_32328179)_(32486847_?)dup

Gene: DMD (dystrophin; minus strand). Cytogenetic location: Xp21.1.
Variant type: Duplication.
Identifiers: ClinVar variation 3242965 (VCV003242965.1).